The following is an entry in ClinVar:

NC_000007.13:g.(?_92146662)_(92148110_?)del

Gene: PEX1 (peroxisomal biogenesis factor 1; minus strand). Cytogenetic location: 7q21.2.
Variant type: Deletion.
Identifiers: ClinVar variation 3245710 (VCV003245710.1).

ClinVar aggregate classification (germline): Likely pathogenic (1 of 4 stars; one submission).

Conditions:
Zellweger spectrum disorders (ZS). Also called: Zellweger Spectrum Disorder; Zellweger Spectrum; Zellweger Spectrum Disorder (ZSD); Zellweger syndrome. Identifiers: Orphanet 912, MedGen C0043459, MONDO:0019609.

Submission:

Labcorp Genetics (formerly Invitae), Labcorp
Classification: Likely pathogenic for Zellweger spectrum disorders. Last evaluated: 2019-12-21. Review status: criteria provided, single submitter. Criteria: Invitae Variant Classification Sherloc (09022015). Collection method: clinical testing. Allele origin: unknown.
Comment: In summary, the currently available evidence indicates that the variant is pathogenic, but additional data are needed to prove that conclusively. Therefore, this variant has been classified as Likely Pathogenic. Loss-of-function variants in PEX1 are known to be pathogenic (PMID: 9398847, 16086329, 16141001, 21031596). This variant has not been reported in the literature in individuals with PEX1-related conditions. This variant is a deletion of the genomic region encompassing exon 4 and part of exon 5 (c.357+199_1167del) of the PEX1 gene. It is expected to disrupt RNA splicing and likely results in an absent or disrupted protein product.

Literature cited by the submitters: PubMed 9398847; PubMed 16086329; PubMed 16141001; PubMed 21031596.